The following is an entry in ClinVar:

NM_007294.4(BRCA1):c.5275_5276delinsTG (p.Lys1759Trp)

Gene: BRCA1 (BRCA1 DNA repair associated; minus strand). Cytogenetic location: 17q21.31.
Variant type: Indel.
Coding change: c.5275_5276delinsTG on transcript NM_007294.4 (MANE Select); coding-DNA positions 5275 to 5276, AA replaced by TG.
Protein change: p.Lys1759Trp; replaces lysine 1759 with tryptophan.
Molecular consequence: missense variant. On other transcripts: non-coding transcript variant (1).
Genome position (GRCh38, 1-based): chr17:43,057,053-43,057,054, TT replaced by CA on the plus strand (AA replaced by TG on the coding strand, the reverse complement: BRCA1 is on the minus strand). VCF-style: chr17-43057053-TT-CA. GRCh37 (hg19) VCF-style: chr17-41209070-TT-CA.
Other names: c.5059_5060delAAinsTG, p.Lys1687Trp (NM_001407918.1, NM_001407915.1, NM_001407916.1 and 1 more transcripts); c.5152_5153delAAinsTG, p.Lys1718Trp (NM_001407919.1, NM_001407937.1, NM_001407938.1 and 6 more transcripts); c.5011_5012delAAinsTG, p.Lys1671Trp (NM_001407920.1, NM_001407921.1, NM_001407922.1 and 4 more transcripts); c.5008_5009delAAinsTG, p.Lys1670Trp (NM_001407927.1, NM_001407928.1, NM_001407929.1 and 4 more transcripts); c.5005_5006delAAinsTG, p.Lys1669Trp (NM_001407934.1, NM_001407935.1, NM_001407936.1); c.5149_5150delAAinsTG, p.Lys1717Trp (NM_001407939.1, NM_001407940.1, NM_001407670.1 and 10 more transcripts); c.5146_5147delAAinsTG, p.Lys1716Trp (NM_001407941.1, NM_001407681.1, NM_001407682.1 and 6 more transcripts); c.5134_5135delAAinsTG, p.Lys1712Trp (NM_001407942.1, NM_001407692.1, NM_001407694.1 and 12 more transcripts); and 75 more; short protein forms K1759W, K1780W, K1712W, K655W, K1605W, K1630W, K1648W, K1689W.
Identifiers: ClinVar variation 188165 (VCV000188165.14), dbSNP rs786204116, ClinGen allele CA003416.

ClinVar aggregate classification (germline): Uncertain significance. Review status: criteria provided, multiple submitters, no conflicts (2 of 4 stars). 5 submissions from 5 submitters: Uncertain significance (4). 1 of the submissions does not count toward it. Last evaluated 2022-07-19.

Conditions:
Hereditary breast ovarian cancer syndrome. Also called: Hereditary breast and ovarian cancer syndrome; Hereditary breast and ovarian cancer syndrome (HBOC); BRCA1- and BRCA2-Associated Hereditary Breast and Ovarian Cancer; Breast and ovarian cancer; Hereditary breast and ovarian cancer; Hereditary breast and/or ovarian cancer syndrome. Identifiers: Orphanet 145, MedGen C0677776, MeSH D061325, MONDO:0003582. Disease mechanism: loss of function.
Breast-ovarian cancer, familial, susceptibility to, 1 (BROVCA1). Also called: OVARIAN CANCER, SUSCEPTIBILITY TO; BRCA1 Hereditary Breast and Ovarian Cancer. Identifiers: Orphanet 145, MedGen C2676676, MONDO:0011450, OMIM 604370. Disease mechanism: loss of function.
Hereditary cancer-predisposing syndrome. Also called: Hereditary Cancer Syndrome; Hereditary neoplastic syndrome; Tumor predisposition; Neoplastic Syndromes, Hereditary. Identifiers: Orphanet 140162, MedGen C0027672, MeSH D009386, MONDO:0015356.

Submissions (5):

Ambry Genetics
Classification: Uncertain significance for Hereditary cancer-predisposing syndrome. Last evaluated: 2022-07-19. Review status: criteria provided, single submitter. Criteria: Ambry Variant Classification Scheme 2023. Collection method: clinical testing. Allele origin: germline.
Comment: The c.5275_5276delAAinsTG variant (also known as p.K1759W), located in coding exon 18 of the BRCA1 gene, results from an in-frame deletion of AA and insertion of TG at nucleotide positions 5275 to 5276. This results in the substitution of the lysine residue for a tryptophan residue at codon 1759, an amino acid with dissimilar properties. This amino acid position is highly conserved in available vertebrate species. In addition, this alteration is predicted to be neutral by in silico analysis (Choi Y et al. PLoS ONE. 2012; 7(10):e46688). Since supporting evidence is limited at this time, the clinical significance of this alteration remains unclear.

Labcorp Genetics (formerly Invitae), Labcorp
Classification: Uncertain significance for Hereditary breast ovarian cancer syndrome. Last evaluated: 2021-12-14. Review status: criteria provided, single submitter. Criteria: Invitae Variant Classification Sherloc (09022015). Collection method: clinical testing. Allele origin: germline.
Comment: This sequence change replaces lysine, which is basic and polar, with tryptophan, which is neutral and slightly polar, at codon 1759 of the BRCA1 protein (p.Lys1759Trp). Information on the frequency of this variant in the gnomAD database is not available, as this variant may be reported differently in the database. This variant has not been reported in the literature in individuals affected with BRCA1-related conditions. ClinVar contains an entry for this variant (Variation ID: 188165). Algorithms developed to predict the effect of missense changes on protein structure and function are either unavailable or do not agree on the potential impact of this missense change (SIFT: "Not Available"; PolyPhen-2: "Possibly Damaging"; Align-GVGD: "Not Available"). Algorithms developed to predict the effect of sequence changes on RNA splicing suggest that this variant may disrupt the consensus splice site. In summary, the available evidence is currently insufficient to determine the role of this variant in disease. Therefore, it has been classified as a Variant of Uncertain Significance.

Color Diagnostics, LLC DBA Color Health
Classification: Uncertain significance for Hereditary cancer-predisposing syndrome. Last evaluated: 2020-09-15. Review status: criteria provided, single submitter. Criteria: ACMG Guidelines, 2015. Collection method: clinical testing. Allele origin: germline.
Comment: This missense variant replaces lysine with tryptophan at codon 1759 of the BRCA1 protein. Computational prediction is inconclusive regarding the impact of this variant on protein structure and function (internally defined REVEL score threshold 0.5 < inconclusive < 0.7, PMID: 27666373). To our knowledge, functional studies have not been reported for this variant. This variant has not been reported in individuals affected with hereditary cancer in the literature. This variant has not been identified in the general population by the Genome Aggregation Database (gnomAD). The available evidence is insufficient to determine the role of this variant in disease conclusively. Therefore, this variant is classified as a Variant of Uncertain Significance.

Institute of Human Genetics, University of Leipzig Medical Center
Classification: Uncertain significance for Breast-ovarian cancer, familial, susceptibility to, 1. Last evaluated: 2019-04-04. Review status: criteria provided, single submitter. Criteria: ACMG Guidelines, 2015. Collection method: clinical testing. Allele origin: germline. Affected: yes.

BRCAlab, Lund University
Classification: Uncertain significance for Breast-ovarian cancer, familial, susceptibility to, 1. Last evaluated: 2020-03-02. Review status: no assertion criteria provided. Collection method: clinical testing. Allele origin: germline. Affected: yes. Not counted in ClinVar's aggregate classification.